The following is an entry in ClinVar:

NM_018972.4(GDAP1):c.113A>G (p.Gln38Arg)

Genes: GDAP1 (ganglioside induced differentiation associated protein 1; plus strand), LOC130000622 (ATAC-STARR-seq lymphoblastoid active region 27542; plus strand). Cytogenetic location: 8q21.11.
Variant type: single nucleotide variant.
Coding change: c.113A>G on transcript NM_018972.4 (MANE Select); coding-DNA position 113, A replaced by G.
Protein change: p.Gln38Arg; replaces glutamine 38 with arginine.
Molecular consequence: missense variant. On other transcripts: 5 prime UTR variant (2), intron variant (1).
Genome position (GRCh38, 1-based): chr8:74,350,574, A>G. VCF-style: chr8-74350574-A-G. GRCh37 (hg19) VCF-style: chr8-75262809-A-G.
Other names: c.-70A>G (NM_001362929.2); c.113A>G, p.Gln38Arg (NM_001362930.2, NM_001362931.2); c.-22A>G (NM_001362932.2); c.-64+102A>G (NM_001040875.4); short protein forms Q38R.
Identifiers: ClinVar variation 2444381 (VCV002444381.1), dbSNP rs2536723078, ClinGen allele CA371499205.

ClinVar aggregate classification (germline): Uncertain significance (1 of 4 stars; one submission).

Conditions:
Charcot-Marie-Tooth disease, axonal, with vocal cord paresis, autosomal recessive. Also called: CHARCOT-MARIE-TOOTH DISEASE, TYPE 4A, AXONAL FORM; CHARCOT-MARIE-TOOTH NEUROPATHY, AXONAL, WITH VOCAL CORD PARESIS, AUTOSOMAL RECESSIVE; CMT2 WITH VOCAL CORD PARESIS, AUTOSOMAL RECESSIVE. Identifiers: Orphanet 101097, MedGen C1843183, MONDO:0011898, OMIM 607706.

Submission:

3billion
Classification: Uncertain significance for Charcot-Marie-Tooth disease, axonal, with vocal cord paresis, autosomal recessive. Last evaluated: 2023-02-23. Review status: criteria provided, single submitter. Criteria: ACMG Guidelines, 2015. Collection method: clinical testing. Allele origin: unknown. Affected: yes.
Comment: The variant is not observed in the gnomAD v2.1.1 dataset. The variant is located in a mutational hot spot and/or well-established functional domain in which established pathogenic variants have been reported. In silico tool predictions suggest damaging effect of the variant on gene or gene product (REVEL: 0.41; 3Cnet: 0.83). Therefore, this variant is classified as VUS according to the recommendation of ACMG/AMP guideline.